The following is an entry in ClinVar:

ClinVar aggregate classification (germline): Likely benign. Review status: criteria provided, multiple submitters, no conflicts (2 of 4 stars). 4 submissions from 4 submitters: Likely benign (4). Last evaluated 2025-02-15.

Conditions:
Familial thoracic aortic aneurysm and aortic dissection (TAAD). Also called: Thoracic aortic aneurysms and dissections. Identifiers: Orphanet 91387, MedGen C4707243, MONDO:0019625.
Aortic aneurysm, familial thoracic 4 (AAT4). Also called: AORTIC ANEURYSM/AORTIC DISSECTION AND PATENT DUCTUS ARTERIOSUS. Identifiers: MedGen C1851504, MONDO:0007568, OMIM 132900.

Allele frequency attached by ClinVar (database versions not stated): gnomAD exomes below 0.00001.
gnomAD v4.1: 1 of 1,614,142 alleles (0.000062%); highest among the groups gnomAD compares: East Asian, 0.0022%; no homozygotes.

Submissions (4):

Ambry Genetics
Classification: Likely benign for Familial thoracic aortic aneurysm and aortic dissection. Last evaluated: 2025-02-15. Review status: criteria provided, single submitter. Criteria: Ambry Variant Classification Scheme 2023. Collection method: clinical testing. Allele origin: germline.

Labcorp Genetics (formerly Invitae), Labcorp
Classification: Likely benign for Aortic aneurysm, familial thoracic 4. Last evaluated: 2024-11-06. Review status: criteria provided, single submitter. Criteria: Invitae Variant Classification Sherloc (09022015). Collection method: clinical testing. Allele origin: germline.

All of Us Research Program, National Institutes of Health
Classification: Likely benign for Familial thoracic aortic aneurysm and aortic dissection. Last evaluated: 2023-06-08. Review status: criteria provided, single submitter. Criteria: ACMG Guidelines, 2015. Collection method: clinical testing. Allele origin: germline. Inheritance: Autosomal dominant inheritance. Observed: 1 variant allele, 1 heterozygote.
Comment: This study involves interpretation of variants in research participants for the purpose of population health screening. Participant phenotype was not available at the time of variant classification. Additional details can be found in publication PMID: 35346344, PMCID: PMC8962531

Color Diagnostics, LLC DBA Color Health
Classification: Likely benign for Familial thoracic aortic aneurysm and aortic dissection. Last evaluated: 2020-01-10. Review status: criteria provided, single submitter. Criteria: ACMG Guidelines, 2015. Collection method: clinical testing. Allele origin: germline.

NM_002474.3(MYH11):c.3402G>A (p.Arg1134=)

Gene: MYH11 (myosin heavy chain 11; minus strand). Cytogenetic location: 16p13.11.
Variant type: single nucleotide variant.
Coding change: c.3402G>A on transcript NM_002474.3 (MANE Select); coding-DNA position 3402, G replaced by A.
Protein change: p.Arg1134=; no amino-acid change (arginine 1134 retained).
Molecular consequence: synonymous variant.
Genome position (GRCh38, 1-based): chr16:15,735,470, C>T on the plus strand (G>A on the coding strand, the complement: MYH11 is on the minus strand). VCF-style: chr16-15735470-C-T. GRCh37 (hg19) VCF-style: chr16-15829327-C-T.
Other names: c.3423G>A, p.Arg1141= (NM_001040113.2, NM_001040114.2); c.3402G>A, p.Arg1134= (NM_022844.3); c.3402G>A (NM_002474.2).
Identifiers: ClinVar variation 918738 (VCV000918738.6), dbSNP rs1245861110, ClinGen allele CA493777249.